The following is an entry in ClinVar:

NM_001605.3(AARS1):c.2552_2553delinsAA (p.Ser851Lys)

Gene: AARS1 (alanyl-tRNA synthetase 1; minus strand). Cytogenetic location: 16q22.1.
Variant type: Indel.
Coding change: c.2552_2553delinsAA on transcript NM_001605.3 (MANE Select); coding-DNA positions 2552 to 2553, GC replaced by AA.
Protein change: p.Ser851Lys; replaces serine 851 with lysine.
Molecular consequence: missense variant.
Genome position (GRCh38, 1-based): chr16:70,253,768-70,253,769, GC replaced by TT on the plus strand (GC replaced by AA on the coding strand, the reverse complement: AARS1 is on the minus strand). VCF-style: chr16-70253768-GC-TT. GRCh37 (hg19) VCF-style: chr16-70287671-GC-TT.
Other names: short protein forms S851K.
Identifiers: ClinVar variation 2851886 (VCV002851886.3), dbSNP rs2506989376, ClinGen allele CA2739266866.
Genomic context (GRCh38, chr16:70,253,768, plus strand): 5'-GGTTGCCTTGGCTGAGGCGCCGCTCTCCATCTCCAGGATGACAAGAGGCTGGTTGGGGTT[GC>TT]TGTCGATGAACTGCTTCGTCTTCTCTAACACCTGCAAGAAAAAAGTCCAGAACAGCAGCT-3'
Protein context (NP_001596.2, residues 841-861): VLEKTKQFID[Ser851Lys]NPNQPLVILE

ClinVar aggregate classification (germline): Uncertain significance (1 of 4 stars; one submission).

Conditions:
Charcot-Marie-Tooth disease type 2. Also called: Charcot-Marie-Tooth type 2. Identifiers: Orphanet 64746, MedGen C0270914, MONDO:0018993.

Submission:

Labcorp Genetics (formerly Invitae), Labcorp
Classification: Uncertain significance for Charcot-Marie-Tooth disease type 2. Last evaluated: 2025-12-21. Review status: criteria provided, single submitter. Criteria: Invitae Variant Classification Sherloc (09022015). Collection method: clinical testing. Allele origin: germline.
Comment: This sequence change replaces serine, which is neutral and polar, with lysine, which is basic and polar, at codon 851 of the AARS protein (p.Ser851Lys). This variant is present in population databases (no rsID available, gnomAD 0.0004%). This variant has not been reported in the literature in individuals affected with AARS-related conditions. ClinVar contains an entry for this variant (Variation ID: 2851886). An algorithm developed to predict the effect of missense changes on protein structure and function (PolyPhen-2) suggests that this variant is likely to be tolerated. In summary, the available evidence is currently insufficient to determine the role of this variant in disease. Therefore, it has been classified as a Variant of Uncertain Significance.